The following is an entry in ClinVar:

ClinVar aggregate classification (germline): Uncertain significance. Review status: criteria provided, single submitter (1 of 4 stars). 2 submissions from 2 submitters: Uncertain significance (1). 1 of the submissions does not count toward it. Last evaluated 2024-09-05.

Conditions:
Bardet-Biedl syndrome (BBS). Identifiers: Orphanet 110, MedGen C0752166, MONDO:0015229.
Bardet-Biedl syndrome 10 (BBS10). Identifiers: Orphanet 110, MedGen C1859568, MONDO:0014438, OMIM 615987.

Submissions (2):

Labcorp Genetics (formerly Invitae), Labcorp
Classification: Uncertain significance for Bardet-Biedl syndrome. Last evaluated: 2024-09-05. Review status: criteria provided, single submitter. Criteria: Invitae Variant Classification Sherloc (09022015). Collection method: clinical testing. Allele origin: germline.
Comment: This sequence change replaces asparagine, which is neutral and polar, with aspartic acid, which is acidic and polar, at codon 668 of the BBS10 protein (p.Asn668Asp). This variant is not present in population databases (gnomAD no frequency). This variant has not been reported in the literature in individuals affected with BBS10-related conditions. ClinVar contains an entry for this variant (Variation ID: 2105944). Invitae Evidence Modeling of protein sequence and biophysical properties (such as structural, functional, and spatial information, amino acid conservation, physicochemical variation, residue mobility, and thermodynamic stability) indicates that this missense variant is not expected to disrupt BBS10 protein function with a negative predictive value of 80%. In summary, the available evidence is currently insufficient to determine the role of this variant in disease. Therefore, it has been classified as a Variant of Uncertain Significance.

Natera, Inc.
Classification: Uncertain significance for Bardet-Biedl syndrome type 10. Last evaluated: 2025-04-10. Review status: no assertion criteria provided. Collection method: clinical testing. Allele origin: germline. Not counted in ClinVar's aggregate classification.

NM_024685.4(BBS10):c.2002A>G (p.Asn668Asp)

Gene: BBS10 (Bardet-Biedl syndrome 10; minus strand). Cytogenetic location: 12q21.2.
Variant type: single nucleotide variant.
Coding change: c.2002A>G on transcript NM_024685.4 (MANE Select); coding-DNA position 2002, A replaced by G.
Protein change: p.Asn668Asp; replaces asparagine 668 with aspartic acid.
Molecular consequence: missense variant.
Genome position (GRCh38, 1-based): chr12:76,345,983, T>C on the plus strand (A>G on the coding strand, the complement: BBS10 is on the minus strand). VCF-style: chr12-76345983-T-C. GRCh37 (hg19) VCF-style: chr12-76739763-T-C.
Other names: c.2002A>G (NM_024685.3); short protein forms N668D.
Identifiers: ClinVar variation 2105944 (VCV002105944.4), dbSNP rs2540954895, ClinGen allele CA385808578.
Genomic context (GRCh38, chr12:76,345,983, plus strand): 5'-GTAGCTGGTATTTACCCATTACTGATTCCAAACCTGTCTGACTGCTTACCAAGGGTTGAT[T>C]GGTTTGCAGTGCATGGACAGCTCTTATATATGTATGTGGAAAGCTGTACTTTCCTGTTTT-3'
Protein context (NP_078961.3, residues 658-678): YIRAVHALQT[Asn668Asp]QPLVSSQTGL